The following is an entry in ClinVar:

ClinVar aggregate classification (germline): Likely benign. Review status: criteria provided, multiple submitters, no conflicts (2 of 4 stars). 4 submissions from 4 submitters: Likely benign (4). Last evaluated 2026-01-25.

Conditions:
MYO15A-related disorder. Also called: MYO15A-related condition.

Allele frequency attached by ClinVar (database versions not stated): gnomAD exomes 0.00010 and 0.00026; ExAC 0.00035; gnomAD 0.00099 and 0.00110; TOPMed 0.00111; 1000 Genomes Project 0.00120; 1000 Genomes Project 30x 0.00125; ESP Exome Variant Server 0.00135.
gnomAD v4.1: 300 of 1,613,848 alleles (0.019%); highest among the groups gnomAD compares: African/African-American, 0.37%; no homozygotes.

Submissions (4):

Labcorp Genetics (formerly Invitae), Labcorp
Classification: Likely benign. Last evaluated: 2026-01-25. Review status: criteria provided, single submitter. Criteria: Invitae Variant Classification Sherloc (09022015). Collection method: clinical testing. Allele origin: germline.

PreventionGenetics, part of Exact Sciences
Classification: Likely benign for MYO15A-related condition. Last evaluated: 2024-10-17. Review status: criteria provided, single submitter. Criteria: ACMG Guidelines, 2015. Collection method: clinical testing. Allele origin: germline.
Comment: This variant is classified as likely benign based on ACMG/AMP sequence variant interpretation guidelines (Richards et al. 2015 PMID: 25741868, with internal and published modifications).

Blueprint Genetics
Classification: Likely benign. Last evaluated: 2024-04-08. Review status: criteria provided, single submitter. Criteria: ACMG Guidelines, 2015. Collection method: clinical testing. Allele origin: germline.

Breakthrough Genomics
Classification: Likely benign. Review status: criteria provided, single submitter. Criteria: ACMG Guidelines, 2015. Collection method: not provided. Allele origin: germline. Inheritance: Autosomal recessive inheritance. Affected: yes.

NM_016239.4(MYO15A):c.9506T>C (p.Leu3169Pro)

Gene: MYO15A (myosin XVA; plus strand). Cytogenetic location: 17p11.2.
Variant type: single nucleotide variant.
Coding change: c.9506T>C on transcript NM_016239.4 (MANE Select); coding-DNA position 9506, T replaced by C.
Protein change: p.Leu3169Pro; replaces leucine 3169 with proline.
Molecular consequence: missense variant.
Genome position (GRCh38, 1-based): chr17:18,161,436, T>C. VCF-style: chr17-18161436-T-C. GRCh37 (hg19) VCF-style: chr17-18064750-T-C.
Other names: short protein forms L3169P.
Identifiers: ClinVar variation 735537 (VCV000735537.11), dbSNP rs200677882, ClinGen allele CA8425568.
Genomic context (GRCh38, chr17:18,161,436, plus strand): 5'-CTGAGGTCCTCCACCCACACCTCACTCGCTTCCTCCAAGACGTGAGCCGGACCCCAGGCC[T>C]GCCCTTTCAGGGTGAGAGGTCAATGAGTGGGAACCCAGGGCTGCATGCTTCTCCCTTGGG-3'
Protein context (NP_057323.3, residues 3159-3179): FLQDVSRTPG[Leu3169Pro]PFQGIAKACE